The following is an entry in ClinVar:

NM_002471.4(MYH6):c.3803C>G (p.Ala1268Gly)

Gene: MYH6 (myosin heavy chain 6; minus strand). Cytogenetic location: 14q11.2.
Variant type: single nucleotide variant.
Coding change: c.3803C>G on transcript NM_002471.4 (MANE Select); coding-DNA position 3803, C replaced by G.
Protein change: p.Ala1268Gly; replaces alanine 1268 with glycine.
Molecular consequence: missense variant.
Genome position (GRCh38, 1-based): chr14:23,389,649, G>C on the plus strand (C>G on the coding strand, the complement: MYH6 is on the minus strand). VCF-style: chr14-23389649-G-C. GRCh37 (hg19) VCF-style: chr14-23858858-G-C.
Other names: short protein forms A1268G.
Identifiers: ClinVar variation 1735089 (VCV001735089.4), dbSNP rs755639321, ClinGen allele CA7115067.

ClinVar aggregate classification (germline): Uncertain significance. Review status: criteria provided, multiple submitters, no conflicts (2 of 4 stars). 2 submissions from 2 submitters: Uncertain significance (2). Last evaluated 2024-08-19.

Conditions:
Cardiovascular phenotype. Identifiers: MedGen CN230736.
Hypertrophic cardiomyopathy 14. Identifiers: MedGen C2750467, MONDO:0013197, OMIM 613251.

Allele frequency attached by ClinVar (database versions not stated): ExAC 0.00001; gnomAD exomes 0.00001.
gnomAD v4.1: 20 of 1,614,186 alleles (0.0012%); highest among the groups gnomAD compares: Non-Finnish European, 0.0017%; no homozygotes.

Submissions (2):

Labcorp Genetics (formerly Invitae), Labcorp
Classification: Uncertain significance for Hypertrophic cardiomyopathy 14. Last evaluated: 2024-08-19. Review status: criteria provided, single submitter. Criteria: Invitae Variant Classification Sherloc (09022015). Collection method: clinical testing. Allele origin: germline.
Comment: This sequence change replaces alanine, which is neutral and non-polar, with glycine, which is neutral and non-polar, at codon 1268 of the MYH6 protein (p.Ala1268Gly). This variant is present in population databases (rs755639321, gnomAD 0.003%). This variant has not been reported in the literature in individuals affected with MYH6-related conditions. ClinVar contains an entry for this variant (Variation ID: 1735089). Invitae Evidence Modeling of protein sequence and biophysical properties (such as structural, functional, and spatial information, amino acid conservation, physicochemical variation, residue mobility, and thermodynamic stability) indicates that this missense variant is not expected to disrupt MYH6 protein function with a negative predictive value of 80%. In summary, the available evidence is currently insufficient to determine the role of this variant in disease. Therefore, it has been classified as a Variant of Uncertain Significance.

Ambry Genetics
Classification: Uncertain significance for Cardiovascular phenotype. Last evaluated: 2021-08-19. Review status: criteria provided, single submitter. Criteria: Ambry Variant Classification Scheme 2023. Collection method: clinical testing. Allele origin: germline.
Comment: The p.A1268G variant (also known as c.3803C>G), located in coding exon 25 of the MYH6 gene, results from a C to G substitution at nucleotide position 3803. The alanine at codon 1268 is replaced by glycine, an amino acid with similar properties. This amino acid position is conserved. In addition, this alteration is predicted to be tolerated by in silico analysis. Since supporting evidence is limited at this time, the clinical significance of this alteration remains unclear.